The following is an entry in ClinVar:

NM_004304.5(ALK):c.656T>C (p.Ile219Thr)

Gene: ALK (ALK receptor tyrosine kinase; minus strand). Cytogenetic location: 2p23.1.
Variant type: single nucleotide variant.
Coding change: c.656T>C on transcript NM_004304.5 (MANE Select); coding-DNA position 656, T replaced by C.
Protein change: p.Ile219Thr; replaces isoleucine 219 with threonine.
Molecular consequence: missense variant.
Genome position (GRCh38, 1-based): chr2:29,920,004, A>G on the plus strand (T>C on the coding strand, the complement: ALK is on the minus strand). VCF-style: chr2-29920004-A-G. GRCh37 (hg19) VCF-style: chr2-30142870-A-G.
Other names: c.656T>C (NM_004304.4); short protein forms I219T.
Identifiers: ClinVar variation 1405220 (VCV001405220.7), dbSNP rs2148442808, ClinGen allele CA346589599.

ClinVar aggregate classification (germline): Uncertain significance. Review status: criteria provided, multiple submitters, no conflicts (2 of 4 stars). 2 submissions from 2 submitters: Uncertain significance (2). Last evaluated 2023-10-08.

Conditions:
Hereditary cancer-predisposing syndrome. Also called: Neoplastic Syndromes, Hereditary; Hereditary neoplastic syndrome; Hereditary Cancer Syndrome; Tumor predisposition. Identifiers: Orphanet 140162, MedGen C0027672, MeSH D009386, MONDO:0015356.
Neuroblastoma, susceptibility to, 3. Also called: ALK-Related Neuroblastic Tumor Susceptibility. Identifiers: Orphanet 635, MedGen C2751681, MONDO:0013083, OMIM 613014.

Submissions (2):

Labcorp Genetics (formerly Invitae), Labcorp
Classification: Uncertain significance for Neuroblastoma, susceptibility to, 3. Last evaluated: 2023-10-08. Review status: criteria provided, single submitter. Criteria: Invitae Variant Classification Sherloc (09022015). Collection method: clinical testing. Allele origin: germline.
Comment: This sequence change replaces isoleucine, which is neutral and non-polar, with threonine, which is neutral and polar, at codon 219 of the ALK protein (p.Ile219Thr). This variant is not present in population databases (gnomAD no frequency). This variant has not been reported in the literature in individuals affected with ALK-related conditions. ClinVar contains an entry for this variant (Variation ID: 1405220). An algorithm developed to predict the effect of missense changes on protein structure and function (PolyPhen-2) suggests that this variant is likely to be tolerated. In summary, the available evidence is currently insufficient to determine the role of this variant in disease. Therefore, it has been classified as a Variant of Uncertain Significance.

Ambry Genetics
Classification: Uncertain significance for Hereditary cancer-predisposing syndrome. Last evaluated: 2023-03-27. Review status: criteria provided, single submitter. Criteria: Ambry Variant Classification Scheme 2023. Collection method: clinical testing. Allele origin: germline.
Comment: The p.I219T variant (also known as c.656T>C), located in coding exon 1 of the ALK gene, results from a T to C substitution at nucleotide position 656. The isoleucine at codon 219 is replaced by threonine, an amino acid with similar properties. This amino acid position is conserved. In addition, the in silico prediction for this alteration is inconclusive. Since supporting evidence is limited at this time, the clinical significance of this alteration remains unclear.